The following is an entry in ClinVar:

NM_003611.3(OFD1):c.936-2A>G

Gene: OFD1 (OFD1 centriole and centriolar satellite protein; plus strand). Cytogenetic location: Xp22.2.
Variant type: single nucleotide variant.
Coding change: c.936-2A>G on transcript NM_003611.3 (MANE Select); the canonical splice acceptor site of the intron before coding-DNA position 936, A replaced by G.
Molecular consequence: splice acceptor variant. On other transcripts: intron variant (1).
Genome position (GRCh38, 1-based): chrX:13,751,247, A>G. VCF-style: chrX-13751247-A-G. GRCh37 (hg19) VCF-style: chrX-13769366-A-G.
Other names: c.516-2A>G (NM_001330210.2); c.935+1714A>G (NM_001330209.2).
Identifiers: ClinVar variation 193661 (VCV000193661.42), dbSNP rs199902986, ClinGen allele CA239242.

ClinVar aggregate classification (germline): Conflicting classifications of pathogenicity. Review status: criteria provided, conflicting classifications (1 of 4 stars). 5 submissions from 5 submitters: Uncertain significance (2); Benign (1); Likely benign (1). 1 of the submissions does not count toward it. Last evaluated 2025-09-21.

Conditions:
OFD1-related disorder. Also called: OFD1-related condition.
Congenital anomaly of kidney and urinary tract. Also called: Congenital anomalies of kidney and urinary tract; Congenital anomalies of the kidney and urinary tract. Identifiers: Orphanet 93545, MedGen C1968949, MeSH C566906, MONDO:0019719.
Joubert syndrome. Also called: JOUBERT-BOLTSHAUSER SYNDROME; Familial aplasia of the vermis. Identifiers: Orphanet 475, MedGen C5979921, MONDO:0018772.
Orofaciodigital syndrome I (OFD1). Also called: Papillon-Leage and Psaume Syndrome; Oral-Facial-Digital Syndrome Type I; OFDS I. Identifiers: Orphanet 2750, MedGen C1510460, MONDO:0010702, OMIM 311200.

Allele frequency attached by ClinVar (database versions not stated): gnomAD exomes 0.00005 and 0.00012; TOPMed 0.00006; ESP Exome Variant Server 0.00009; gnomAD 0.00009 and 0.00011; ExAC 0.00014.
gnomAD v4.1: 67 of 1,204,385 alleles (0.0056%); highest among the groups gnomAD compares: Non-Finnish European, 0.00079%; no homozygotes.

Submissions (7):

Labcorp Genetics (formerly Invitae), Labcorp
Classification: Benign for Orofaciodigital syndrome I; Joubert syndrome. Last evaluated: 2025-09-21. Review status: criteria provided, single submitter. Criteria: Invitae Variant Classification Sherloc (09022015). Collection method: clinical testing. Allele origin: germline.

CeGaT Center for Human Genetics Tuebingen
Classification: Likely benign. Last evaluated: 2025-06-01. Review status: criteria provided, single submitter. Criteria: CeGaT Center For Human Genetics Tuebingen Variant Classification Criteria Version 2. Collection method: clinical testing. Allele origin: germline. Affected: yes. Observed: 2 variant alleles.
Comment: OFD1: BS2

Broad Center for Mendelian Genomics, Broad Institute of MIT and Harvard
Classification: Uncertain significance for Congenital anomaly of kidney and urinary tract. Last evaluated: 2020-05-29. Review status: criteria provided, single submitter. Criteria: ACMG Guidelines, 2015. Collection method: research. Allele origin: germline. Inheritance: X-linked inheritance.
Comment: This variant has also been reported as a VUS by EGL Genetic Diagnostics and benign by Invitae (for orofaciodigital syndrome I/Joubert syndrome) in ClinVar (Variation ID: 193661). This variant has been identified in 0.276% (21/7602) of Ashkenazi Jewish chromosomes, including 7 hemizygotes, by the Genome Aggregation Database (gnomAD; dbSNP rs199902986). Although this variant has been seen in the general population, its frequency is not high enough to rule out a pathogenic role. This variant occurs in the invariant region (+/- 1/2) of the splice consensus sequence and is predicted to cause altered splicing leading to an abnormal or absent protein. While there is some evidence to suggest that loss of function of the OFD1 gene is a disease mechanism in x-linked nephronophthisis, this association is not yet strongly established based on the criteria laid out in Tayoun, 2018 (PMID: 30192042). In summary, the clinical significance of the c.936-2A>G variant is uncertain. ACMG/AMP Criteria applied: PVS1_supporting (Richards 2015).

Eurofins Ntd Llc (ga)
Classification: Uncertain significance. Last evaluated: 2014-12-18. Review status: criteria provided, single submitter. Criteria: EGL Classification Definitions 2015. Collection method: clinical testing. Allele origin: germline. Observed: 1 variant allele, 1 heterozygote.

PreventionGenetics, part of Exact Sciences
Classification: Likely benign for OFD1-related condition. Last evaluated: 2022-05-13. Review status: no assertion criteria provided. Collection method: clinical testing. Allele origin: germline. Not counted in ClinVar's aggregate classification.
Comment: This variant is classified as likely benign based on ACMG/AMP sequence variant interpretation guidelines (Richards et al. 2015 PMID: 25741868, with internal and published modifications).

Dr. Peter K. Rogan Lab, Western University
No classification provided (evidence only). Condition: Malignant tumor of urinary bladder. Review status: no classification provided. Collection method: in vitro. Allele origin: not applicable. Functional consequence: skipped exon. Not counted in ClinVar's aggregate classification.

Dr. Peter K. Rogan Lab, Western University
No classification provided (evidence only). Condition: Nonpapillary renal cell carcinoma. Review status: no classification provided. Collection method: in vitro. Allele origin: not applicable. Functional consequence: skipped exon. Not counted in ClinVar's aggregate classification.